The following is an entry in ClinVar:

NM_001854.4(COL11A1):c.1856G>A (p.Gly619Asp)

Gene: COL11A1 (collagen type XI alpha 1 chain; minus strand). Cytogenetic location: 1p21.1.
Variant type: single nucleotide variant.
Coding change: c.1856G>A on transcript NM_001854.4 (MANE Select); coding-DNA position 1856, G replaced by A.
Protein change: p.Gly619Asp; replaces glycine 619 with aspartic acid.
Molecular consequence: missense variant. On other transcripts: non-coding transcript variant (1).
Genome position (GRCh38, 1-based): chr1:103,004,651, C>T on the plus strand (G>A on the coding strand, the complement: COL11A1 is on the minus strand). VCF-style: chr1-103004651-C-T. GRCh37 (hg19) VCF-style: chr1-103470207-C-T.
Other names: c.1508G>A, p.Gly503Asp (NM_001168249.1, NM_080630.4); c.1739G>A, p.Gly580Asp (NM_001190709.2); c.1892G>A, p.Gly631Asp (NM_080629.3); c.1856G>A (NM_001854.3); short protein forms G503D, G580D, G619D, G631D.
Identifiers: ClinVar variation 2745657 (VCV002745657.4), dbSNP rs1206592841, ClinGen allele CA341173075.

ClinVar aggregate classification (germline): Conflicting classifications of pathogenicity. Review status: criteria provided, conflicting classifications (1 of 4 stars). 2 submissions from 2 submitters: Pathogenic (1); Uncertain significance (1). Last evaluated 2026-02-25.

Allele frequency attached by ClinVar (database versions not stated): gnomAD exomes below 0.00001.
gnomAD v4.1: 1 of 1,610,104 alleles (0.000062%); highest among the groups gnomAD compares: Non-Finnish European, 0.000085%; no homozygotes.

Submissions (2):

GeneDx
Classification: Pathogenic. Last evaluated: 2026-02-25. Review status: criteria provided, single submitter. Criteria: GeneDx Variant Classification Process June 2021. Collection method: clinical testing. Allele origin: germline.
Comment: Not observed at significant frequency in large population cohorts (gnomAD); In silico analysis supports that this missense variant has a deleterious effect on protein structure/function; Has not been previously published as pathogenic or benign to our knowledge; This variant is associated with the following publications: (PMID: 25240749)

Labcorp Genetics (formerly Invitae), Labcorp
Classification: Uncertain significance. Last evaluated: 2023-07-21. Review status: criteria provided, single submitter. Criteria: Invitae Variant Classification Sherloc (09022015). Collection method: clinical testing. Allele origin: germline.
Comment: In summary, the available evidence is currently insufficient to determine the role of this variant in disease. Therefore, it has been classified as a Variant of Uncertain Significance. Advanced modeling of protein sequence and biophysical properties (such as structural, functional, and spatial information, amino acid conservation, physicochemical variation, residue mobility, and thermodynamic stability) performed at Invitae indicates that this missense variant is expected to disrupt COL11A1 protein function. This variant has not been reported in the literature in individuals affected with COL11A1-related conditions. The frequency data for this variant in the population databases is considered unreliable, as metrics indicate poor data quality at this position in the gnomAD database. This sequence change replaces glycine, which is neutral and non-polar, with aspartic acid, which is acidic and polar, at codon 619 of the COL11A1 protein (p.Gly619Asp).